The following is an entry in ClinVar:

ClinVar aggregate classification (germline): Uncertain significance (1 of 4 stars; one submission).

Conditions:
Hereditary cancer-predisposing syndrome. Also called: Tumor predisposition; Neoplastic Syndromes, Hereditary; Hereditary Cancer Syndrome; Hereditary neoplastic syndrome. Identifiers: Orphanet 140162, MedGen C0027672, MeSH D009386, MONDO:0015356.

Submission:

Ambry Genetics
Classification: Uncertain significance for Hereditary cancer-predisposing syndrome. Last evaluated: 2025-03-05. Review status: criteria provided, single submitter. Criteria: Ambry Variant Classification Scheme 2023. Collection method: clinical testing. Allele origin: germline.
Comment: The p.A47P variant (also known as c.139G>C), located in coding exon 2 of the MRE11A gene, results from a G to C substitution at nucleotide position 139. The alanine at codon 47 is replaced by proline, an amino acid with highly similar properties. This amino acid position is conserved. In addition, this alteration is predicted to be deleterious by in silico analysis. Based on the available evidence, the clinical significance of this variant remains unclear.

NM_005591.4(MRE11):c.139G>C (p.Ala47Pro)

Gene: MRE11 (MRE11 double strand break repair nuclease; minus strand). Cytogenetic location: 11q21.
Variant type: single nucleotide variant.
Coding change: c.139G>C on transcript NM_005591.4 (MANE Select); coding-DNA position 139, G replaced by C.
Protein change: p.Ala47Pro; replaces alanine 47 with proline.
Molecular consequence: missense variant.
Genome position (GRCh38, 1-based): chr11:94,490,847, C>G on the plus strand (G>C on the coding strand, the complement: MRE11 is on the minus strand). VCF-style: chr11-94490847-C-G. GRCh37 (hg19) VCF-style: chr11-94224013-C-G.
Other names: c.139G>C, p.Ala47Pro (NM_001330347.2, NM_005590.4); short protein forms A47P.
Identifiers: ClinVar variation 3874346 (VCV003874346.1).